The following is an entry in ClinVar:

NM_001371928.1(AHDC1):c.194C>T (p.Pro65Leu)

Gene: AHDC1 (AT-hook DNA binding motif containing 1; minus strand). Cytogenetic location: 1p36.11.
Variant type: single nucleotide variant.
Coding change: c.194C>T on transcript NM_001371928.1 (MANE Select); coding-DNA position 194, C replaced by T.
Protein change: p.Pro65Leu; replaces proline 65 with leucine.
Molecular consequence: missense variant.
Genome position (GRCh38, 1-based): chr1:27,551,922, G>A on the plus strand (C>T on the coding strand, the complement: AHDC1 is on the minus strand). VCF-style: chr1-27551922-G-A. GRCh37 (hg19) VCF-style: chr1-27878433-G-A.
Other names: c.194C>T, p.Pro65Leu (NM_001029882.3); short protein forms P65L.
Identifiers: ClinVar variation 3613066 (VCV003613066.2).
Genomic context (GRCh38, chr1:27,551,922, plus strand): 5'-GGCAGCGGGTCGTCCCCCTTGGCAAGGACTGGTGGGCGCCGGGTGCTGGGGTCCCGGCGT[G>A]GGGGTGGGCGTGGGTTCTCGGAGAAGGCGTGGGTGGAGAAGGCCTTGTCAGGTGGGCTGG-3'
Protein context (NP_001358857.1, residues 55-75): HAFSENPRPP[Pro65Leu]RRDPSTRRPP

ClinVar aggregate classification (germline): Uncertain significance (1 of 4 stars; one submission).

Submission:

Labcorp Genetics (formerly Invitae), Labcorp
Classification: Uncertain significance. Last evaluated: 2025-02-02. Review status: criteria provided, single submitter. Criteria: Invitae Variant Classification Sherloc (09022015). Collection method: clinical testing. Allele origin: germline.
Comment: This sequence change replaces proline, which is neutral and non-polar, with leucine, which is neutral and non-polar, at codon 65 of the AHDC1 protein (p.Pro65Leu). This variant is not present in population databases (gnomAD no frequency). This variant has not been reported in the literature in individuals affected with AHDC1-related conditions. An algorithm developed to predict the effect of missense changes on protein structure and function (PolyPhen-2) suggests that this variant is likely to be disruptive. In summary, the available evidence is currently insufficient to determine the role of this variant in disease. Therefore, it has been classified as a Variant of Uncertain Significance.